The following is an entry in ClinVar:

NM_004715.5(CTDP1):c.756C>T (p.Tyr252=)

Gene: CTDP1 (CTD phosphatase 1; plus strand). Cytogenetic location: 18q23.
Variant type: single nucleotide variant.
Coding change: c.756C>T on transcript NM_004715.5 (MANE Select); coding-DNA position 756, C replaced by T.
Protein change: p.Tyr252=; no amino-acid change (tyrosine 252 retained).
Molecular consequence: synonymous variant.
Genome position (GRCh38, 1-based): chr18:79,704,901, C>T. VCF-style: chr18-79704901-C-T. GRCh37 (hg19) VCF-style: chr18-77464901-C-T.
Other names: c.399C>T, p.Tyr133= (NM_001202504.1); c.756C>T, p.Tyr252= (NM_001318511.2, NM_048368.4).
Identifiers: ClinVar variation 2157951 (VCV002157951.5), dbSNP rs751409711, ClinGen allele CA9010078.

ClinVar aggregate classification (germline): Likely benign. Review status: criteria provided, multiple submitters, no conflicts (2 of 4 stars). 2 submissions from 2 submitters: Likely benign (2). Last evaluated 2026-07-01.

Allele frequency attached by ClinVar (database versions not stated): gnomAD 0.00004; ExAC 0.00006; TOPMed 0.00006; gnomAD exomes 0.00011.
gnomAD v4.1: 170 of 1,613,362 alleles (0.011%); highest among the groups gnomAD compares: South Asian, 0.021%; no homozygotes.

Submissions (2):

CeGaT Center for Human Genetics Tuebingen
Classification: Likely benign. Last evaluated: 2026-07-01. Review status: criteria provided, single submitter. Criteria: CeGaT Center For Human Genetics Tuebingen Variant Classification Criteria Version 2. Collection method: clinical testing. Allele origin: germline. Affected: yes. Observed: 1 variant allele.
Comment: CTDP1: BP4, BP7

Labcorp Genetics (formerly Invitae), Labcorp
Classification: Likely benign. Last evaluated: 2025-08-18. Review status: criteria provided, single submitter. Criteria: Invitae Variant Classification Sherloc (09022015). Collection method: clinical testing. Allele origin: germline.